The following is an entry in ClinVar:

NM_174936.4(PCSK9):c.1091C>G (p.Pro364Arg)

Gene: PCSK9 (proprotein convertase subtilisin/kexin type 9; plus strand). Cytogenetic location: 1p32.3.
Variant type: single nucleotide variant.
Coding change: c.1091C>G on transcript NM_174936.4 (MANE Select); coding-DNA position 1091, C replaced by G.
Protein change: p.Pro364Arg; replaces proline 364 with arginine.
Molecular consequence: missense variant. On other transcripts: non-coding transcript variant (7).
Genome position (GRCh38, 1-based): chr1:55,057,425, C>G. VCF-style: chr1-55057425-C-G. GRCh37 (hg19) VCF-style: chr1-55523098-C-G.
Other names: c.1214C>G, p.Pro405Arg (NM_001407240.1); c.1091C>G, p.Pro364Arg (NM_001407241.1, NM_001407244.1, NM_001407247.1); c.1094C>G, p.Pro365Arg (NM_001407242.1); c.1034C>G, p.Pro345Arg (NM_001407243.1); c.899C>G, p.Pro300Arg (NM_001407245.1); c.716C>G, p.Pro239Arg (NM_001407246.1); short protein forms P345R, P364R, P365R, P300R, P239R, P405R.
Identifiers: ClinVar variation 4780607 (VCV004780607.3).

ClinVar aggregate classification (germline): Uncertain significance. Review status: criteria provided, multiple submitters, no conflicts (2 of 4 stars). 2 submissions from 2 submitters: Uncertain significance (2). Last evaluated 2026-07-19.

Conditions:
Hypercholesterolemia, autosomal dominant, 3 (FHCL3). Also called: Familial Hypercholesterolemia, Autosomal Dominant, 3; PCSK9-Related Familial Hypercholesterolemia, Autosomal Dominant; Familial hypercholesterolemia 3. Identifiers: MedGen C1863551, MONDO:0011369, OMIM 603776.
Cardiovascular phenotype. Identifiers: MedGen CN230736.

gnomAD v4.1: 1 of 1,614,150 alleles (0.000062%); highest among the groups gnomAD compares: Admixed American, 0.0017%; no homozygotes.

Submissions (2):

Ambry Genetics
Classification: Uncertain significance for Cardiovascular phenotype. Last evaluated: 2026-07-19. Review status: criteria provided, single submitter. Criteria: Ambry Variant Classification Scheme 2023. Collection method: clinical testing. Allele origin: germline.
Comment: The c.1091C>G (p.P364R) alteration is located in exon 7 (coding exon 7) of the PCSK9 gene. This alteration results from a C to G substitution at nucleotide position 1091, causing the proline (P) at amino acid position 364 to be replaced by an arginine (R). Based on data from gnomAD, the G allele has an overall frequency of <0.001% (1/251356) total alleles studied. The highest observed frequency was 0.003% (1/34588) of Latino alleles. Based on insufficient or conflicting evidence, the clinical significance of this alteration remains unclear.

Labcorp Genetics (formerly Invitae), Labcorp
Classification: Uncertain significance for Hypercholesterolemia, autosomal dominant, 3. Last evaluated: 2025-12-17. Review status: criteria provided, single submitter. Criteria: Invitae Variant Classification Sherloc (09022015). Collection method: clinical testing. Allele origin: germline.
Comment: This sequence change replaces proline, which is neutral and non-polar, with arginine, which is basic and polar, at codon 364 of the PCSK9 protein (p.Pro364Arg). This variant is present in population databases (no rsID available, gnomAD 0.003%). This variant has not been reported in the literature in individuals affected with PCSK9-related conditions. Invitae Evidence Modeling of protein sequence and biophysical properties (such as structural, functional, and spatial information, amino acid conservation, physicochemical variation, residue mobility, and thermodynamic stability) indicates that this missense variant is expected to disrupt PCSK9 protein function with a positive predictive value of 80%. In summary, the available evidence is currently insufficient to determine the role of this variant in disease. Therefore, it has been classified as a Variant of Uncertain Significance.